The following is an entry in ClinVar:

ClinVar aggregate classification (germline): Likely benign (1 of 4 stars; one submission).

Allele frequency attached by ClinVar (database versions not stated): gnomAD exomes below 0.00001.
gnomAD v4.1: 1 of 484,350 alleles (0.00021%); highest among the groups gnomAD compares: Non-Finnish European, 0.00038%; no homozygotes.

Submission:

GeneDx
Classification: Likely benign. Last evaluated: 2017-04-27. Review status: criteria provided, single submitter. Criteria: GeneDx Variant Classification (06012015). Collection method: clinical testing. Allele origin: germline. Affected: yes.
Comment: This variant is considered likely benign or benign based on one or more of the following criteria: it is a conservative change, it occurs at a poorly conserved position in the protein, it is predicted to be benign by multiple in silico algorithms, and/or has population frequency not consistent with disease.

NM_007194.4(CHEK2):c.-26G>C

Gene: CHEK2 (checkpoint kinase 2; minus strand). Cytogenetic location: 22q12.1.
Variant type: single nucleotide variant.
Coding change: c.-26G>C on transcript NM_007194.4 (MANE Select); 26 bases upstream of the start codon, G replaced by C.
Molecular consequence: 5 prime UTR variant.
Genome position (GRCh38, 1-based): chr22:28,741,788, C>G on the plus strand (G>C on the coding strand, the complement: CHEK2 is on the minus strand). VCF-style: chr22-28741788-C-G. GRCh37 (hg19) VCF-style: chr22-29137776-C-G.
Other names: c.-26G>C (NM_001005735.3, NM_001349956.3, NM_145862.3); c.-803G>C (NM_001257387.3).
Identifiers: ClinVar variation 509295 (VCV000509295.1), dbSNP rs1446969002, ClinGen allele CA658799531.